The following is an entry in ClinVar:

ClinVar aggregate classification (germline): Uncertain significance (1 of 4 stars; one submission).

Submission:

GeneDx
Classification: Uncertain significance. Last evaluated: 2023-02-17. Review status: criteria provided, single submitter. Criteria: GeneDx Variant Classification Process June 2021. Collection method: clinical testing. Allele origin: germline. Affected: yes.
Comment: Not observed at significant frequency in large population cohorts (gnomAD); In silico analysis supports that this missense variant does not alter protein structure/function; Has not been previously published as pathogenic or benign to our knowledge

NM_001042681.2(RERE):c.256T>C (p.Tyr86His)

Gene: RERE (arginine-glutamic acid dipeptide repeats; minus strand). Cytogenetic location: 1p36.23.
Variant type: single nucleotide variant.
Coding change: c.256T>C on transcript NM_001042681.2 (MANE Select); coding-DNA position 256, T replaced by C.
Protein change: p.Tyr86His; replaces tyrosine 86 with histidine.
Molecular consequence: missense variant.
Genome position (GRCh38, 1-based): chr1:8,656,042, A>G on the plus strand (T>C on the coding strand, the complement: RERE is on the minus strand). VCF-style: chr1-8656042-A-G. GRCh37 (hg19) VCF-style: chr1-8716101-A-G.
Other names: c.256T>C, p.Tyr86His (NM_012102.4); short protein forms Y86H.
Identifiers: ClinVar variation 2576719 (VCV002576719.1), dbSNP rs2522624774, ClinGen allele CA338222781.